The following is an entry in ClinVar:

NM_016222.4(DDX41):c.1585A>G (p.Thr529Ala)

Gene: DDX41 (DEAD-box helicase 41; minus strand). Cytogenetic location: 5q35.3.
Variant type: single nucleotide variant.
Coding change: c.1585A>G on transcript NM_016222.4 (MANE Select); coding-DNA position 1585, A replaced by G.
Protein change: p.Thr529Ala; replaces threonine 529 with alanine.
Molecular consequence: missense variant.
Genome position (GRCh38, 1-based): chr5:177,512,358, T>C on the plus strand (A>G on the coding strand, the complement: DDX41 is on the minus strand). VCF-style: chr5-177512358-T-C. GRCh37 (hg19) VCF-style: chr5-176939359-T-C.
Other names: c.1207A>G, p.Thr403Ala (NM_001321732.2, NM_001321830.2); short protein forms T529A, T403A.
Identifiers: ClinVar variation 2779370 (VCV002779370.3), dbSNP rs1581802660, ClinGen allele CA362372400.
Genomic context (GRCh38, chr5:177,512,358, plus strand): 5'-AGGTGGCGCTGGTAACAGACTCACCACACGCTTTGTTGATGAAGGTAGTGGCGATGCCTG[T>C]GTTTCCCGAGCGCCCGGTGCGGCCAATCCGGTGTACTGCAGAGAGAAGGACAGAGTCTCT-3'
Protein context (NP_057306.2, residues 519-539): RIGRTGRSGN[Thr529Ala]GIATTFINKA

ClinVar aggregate classification (germline): Uncertain significance (1 of 4 stars; one submission).

Submission:

Labcorp Genetics (formerly Invitae), Labcorp
Classification: Uncertain significance. Last evaluated: 2023-10-16. Review status: criteria provided, single submitter. Criteria: Invitae Variant Classification Sherloc (09022015). Collection method: clinical testing. Allele origin: germline.
Comment: This sequence change replaces threonine, which is neutral and polar, with alanine, which is neutral and non-polar, at codon 529 of the DDX41 protein (p.Thr529Ala). This variant is not present in population databases (gnomAD no frequency). This variant has not been reported in the literature in individuals affected with DDX41-related conditions. An algorithm developed to predict the effect of missense changes on protein structure and function (PolyPhen-2) suggests that this variant is likely to be tolerated. In summary, the available evidence is currently insufficient to determine the role of this variant in disease. Therefore, it has been classified as a Variant of Uncertain Significance.